The following is an entry in ClinVar:

ClinVar aggregate classification (germline): Uncertain significance. Review status: criteria provided, multiple submitters, no conflicts (2 of 4 stars). 2 submissions from 2 submitters: Uncertain significance (2). Last evaluated 2022-07-11.

Conditions:
Inborn genetic diseases. Identifiers: MedGen C0950123, MeSH D030342.

Allele frequency attached by ClinVar (database versions not stated): gnomAD 0.00002; ESP Exome Variant Server 0.00008.
gnomAD v4.1: 50 of 1,613,526 alleles (0.0031%); highest among the groups gnomAD compares: Middle Eastern, 0.033%; no homozygotes.

Submissions (2):

Ambry Genetics
Classification: Uncertain significance for Inborn genetic diseases. Last evaluated: 2022-07-11. Review status: criteria provided, single submitter. Criteria: Ambry Variant Classification Scheme 2023. Collection method: clinical testing. Allele origin: germline.

Labcorp Genetics (formerly Invitae), Labcorp
Classification: Uncertain significance. Last evaluated: 2022-01-12. Review status: criteria provided, single submitter. Criteria: Invitae Variant Classification Sherloc (09022015). Collection method: clinical testing. Allele origin: germline.
Comment: This sequence change replaces glycine, which is neutral and non-polar, with aspartic acid, which is acidic and polar, at codon 274 of the TTC37 protein (p.Gly274Asp). This variant is present in population databases (rs375100725, gnomAD 0.01%). This variant has not been reported in the literature in individuals affected with TTC37-related conditions. Algorithms developed to predict the effect of missense changes on protein structure and function are either unavailable or do not agree on the potential impact of this missense change (SIFT: "Tolerated"; PolyPhen-2: "Possibly Damaging"; Align-GVGD: "Class C0"). In summary, the available evidence is currently insufficient to determine the role of this variant in disease. Therefore, it has been classified as a Variant of Uncertain Significance.

NM_014639.4(SKIC3):c.821G>A (p.Gly274Asp)

Gene: SKIC3 (SKI3 subunit of superkiller complex; minus strand). Cytogenetic location: 5q15.
Variant type: single nucleotide variant.
Coding change: c.821G>A on transcript NM_014639.4 (MANE Select); coding-DNA position 821, G replaced by A.
Protein change: p.Gly274Asp; replaces glycine 274 with aspartic acid.
Molecular consequence: missense variant.
Genome position (GRCh38, 1-based): chr5:95,530,160, C>T on the plus strand (G>A on the coding strand, the complement: SKIC3 is on the minus strand). VCF-style: chr5-95530160-C-T. GRCh37 (hg19) VCF-style: chr5-94865864-C-T.
Other names: short protein forms G274D.
Identifiers: ClinVar variation 1895925 (VCV001895925.3), dbSNP rs375100725, ClinGen allele CA3347523.
Genomic context (GRCh38, chr5:95,530,160, plus strand): 5'-TTCCTAACAGCATCTTCATACTTTTTGTCTTGTAATGCTTTAATGCCTAAGCCAATGAGG[C>T]CTGGACCACTTTTTGAATCCATTTCCACTAATCTACAACAATACTGCTGCCCCTCATCAG-3'
Protein context (NP_055454.1, residues 264-284): LVEMDSKSGP[Gly274Asp]LIGLGIKALQ